The following is an entry in ClinVar:

ClinVar aggregate classification (germline): Pathogenic/Likely pathogenic. Review status: criteria provided, multiple submitters, no conflicts (2 of 4 stars). 8 submissions from 8 submitters: Pathogenic (2); Likely pathogenic (5). 1 of the submissions does not count toward it. Last evaluated 2026-01-12.

Conditions:
Cardiac arrhythmia. Also called: Arrhythmia; Cardiac rhythm disease. Identifiers: MedGen C0003811, MONDO:0007263, HP:0011675.
KCNQ1-related disorder. Also called: KCNQ1-related condition; KCNQ1-related disorders. Identifiers: MedGen CN239322.
Cardiovascular phenotype. Identifiers: MedGen CN230736.
Familial long QT syndrome (RWS). Also called: Congenital long QT syndrome; Romano-Ward syndrome; VENTRICULAR FIBRILLATION WITH PROLONGED QT INTERVAL. Identifiers: Orphanet 768, MedGen C1141890, MONDO:0019171.
Long QT syndrome (LQTS). Identifiers: MedGen C0023976, MeSH D008133, MONDO:0002442. Disease mechanism: loss of function. Inheritance: Various modes of inheritance.

Submissions (8):

Women's Health and Genetics/Laboratory Corporation of America, LabCorp
Classification: Pathogenic for Long QT syndrome. Last evaluated: 2026-01-12. Review status: criteria provided, single submitter. Criteria: LabCorp Variant Classification Summary - May 2015. Collection method: clinical testing. Allele origin: germline.
Comment: Variant summary: KCNQ1 c.905C>A (p.Ala302Glu) results in a non-conservative amino acid change in the encoded protein sequence. Algorithms developed to predict the effect of missense changes on protein structure and function all suggest that this variant is likely to be disruptive. The variant was absent in 249650 control chromosomes. c.905C>A has been observed in individual(s) affected with Long QT Syndrome (e.g. Kapplinger_2009, Ruwald_2016, Itoh_2016, internal data). These data indicate that the variant is likely to be associated with disease. A different variant affecting the same codon has been classified as pathogenic by our lab (c.905C>T, p.Ala302Val), supporting the critical relevance of codon 302 to KCNQ1 protein function. To our knowledge, no experimental evidence demonstrating an impact on protein function has been reported. The following publications have been ascertained in the context of this evaluation (PMID: 26669661, 19716085, 26318259). ClinVar contains an entry for this variant (Variation ID: 67121). Based on the evidence outlined above, the variant was classified as pathogenic.

GeneDx
Classification: Likely pathogenic. Last evaluated: 2025-11-20. Review status: criteria provided, single submitter. Criteria: GeneDx Variant Classification Process June 2021. Collection method: clinical testing. Allele origin: germline. Affected: yes.
Comment: Reported in individuals with LQTS in published literature and referred for genetic testing at GeneDx (PMID: 19716085, 26318259); Not observed at significant frequency in large population cohorts (gnomAD); In silico analysis supports that this missense variant has a deleterious effect on protein structure/function; This variant is associated with the following publications: (PMID: 19716085, 26669661, 26318259, 38309936)

Labcorp Genetics (formerly Invitae), Labcorp
Classification: Pathogenic for Long QT syndrome. Last evaluated: 2025-11-12. Review status: criteria provided, single submitter. Criteria: Invitae Variant Classification Sherloc (09022015). Collection method: clinical testing. Allele origin: germline.
Comment: This sequence change replaces alanine, which is neutral and non-polar, with glutamic acid, which is acidic and polar, at codon 302 of the KCNQ1 protein (p.Ala302Glu). This variant is not present in population databases (gnomAD no frequency). This missense change has been observed in individuals with long QT syndrome (PMID: 19716085; internal data). ClinVar contains an entry for this variant (Variation ID: 67121). Invitae Evidence Modeling of protein sequence and biophysical properties (such as structural, functional, and spatial information, amino acid conservation, physicochemical variation, residue mobility, and thermodynamic stability) indicates that this missense variant is expected to disrupt KCNQ1 protein function with a positive predictive value of 95%. This variant disrupts the p.Ala302 amino acid residue in KCNQ1. Other variant(s) that disrupt this residue have been determined to be pathogenic (PMID: 17905336, 19808498, 25786344, 27917693). This suggests that this residue is clinically significant, and that variants that disrupt this residue are likely to be disease-causing. For these reasons, this variant has been classified as Pathogenic.

PreventionGenetics, part of Exact Sciences
Classification: Likely pathogenic for KCNQ1-related condition. Last evaluated: 2025-01-08. Review status: criteria provided, single submitter. Criteria: ACMG Guidelines, 2015. Collection method: clinical testing. Allele origin: germline.
Comment: The KCNQ1 c.905C>A variant is predicted to result in the amino acid substitution p.Ala302Glu. This variant was reported in an individual from a cohort of patients who underwent testing for Long QT syndrome (Kapplinger et al. 2009. PubMed ID: 19716085). This variant has not been reported in a large population database (gnomAD), indicating this variant is rare. Additional missense variants disrupting this amino acid have been reported in the heterozygous and compound heterozygous states in patients with long QT syndrome and Jervell and Lange-Nielsen Syndrome (p.Arg302Thr, p.Ala302Val; Choi et al. 2004. PubMed ID: 15466642, Olesen et al. 2014. PubMed ID: 24144883, Wang et al. 2017. PubMed ID: 27917693). The c.905C>A variant is interpreted as likely pathogenic.

All of Us Research Program, National Institutes of Health
Classification: Likely pathogenic for Long QT syndrome. Last evaluated: 2024-01-08. Review status: criteria provided, single submitter. Criteria: ACMG Guidelines, 2015. Collection method: clinical testing. Allele origin: germline. Inheritance: Autosomal dominant inheritance. Observed: 1 variant allele, 1 heterozygote.
Comment: This missense variant replaces alanine with glutamic acid at codon 302 of the KCNQ1 protein. Computational prediction suggests that this variant may have deleterious impact on protein structure and function (internally defined REVEL score threshold >= 0.7, PMID: 27666373). This variant is found within a highly conserved pore-forming region (a.a. 300-320). Rare nontruncating variants in this region have been shown to be significantly overrepresented in individuals with long QT syndrome (PMID: 32893267). To our knowledge, functional studies have not been reported for this variant. This variant has been reported in at least four unrelated individuals affected with long QT syndrome (PMID: 26318259, 26669661, ClinVar: SCV000817627.3, SCV000234432.9), and in an individual suspected of having long QT syndrome (PMID: 19716085). It has been shown that this variant segregates with disease in two of the families (PMID: 26669661, ClinVar SCV000234432.9). This variant has not been identified in the general population by the Genome Aggregation Database (gnomAD). A different missense variant occurring at the same codon, p.Ala302Val, is known to be disease-causing (ClinVar variation ID: 36439), indicating that alanine at this position is important for KCNQ1 protein function. Based on the available evidence, this variant is classified as Likely Pathogenic.

This study involves interpretation of variants in research participants for the purpose of population health screening. Participant phenotype was not available at the time of variant classification. Additional details can be found in publication PMID: 35346344, PMCID: PMC8962531

Color Diagnostics, LLC DBA Color Health
Classification: Likely pathogenic for Cardiac arrhythmia. Last evaluated: 2023-11-09. Review status: criteria provided, single submitter. Criteria: ACMG Guidelines, 2015. Collection method: clinical testing. Allele origin: germline.
Comment: This missense variant replaces alanine with glutamic acid at codon 302 of the KCNQ1 protein. Computational prediction suggests that this variant may have deleterious impact on protein structure and function (internally defined REVEL score threshold >= 0.7, PMID: 27666373). This variant is found within a highly conserved pore-forming region (a.a. 300-320). Rare nontruncating variants in this region have been shown to be significantly overrepresented in individuals with long QT syndrome (PMID: 32893267). To our knowledge, functional studies have not been reported for this variant. This variant has been reported in at least four unrelated individuals affected with long QT syndrome (PMID: 26318259, 26669661, ClinVar: SCV000817627.3, SCV000234432.9), and in an individual suspected of having long QT syndrome (PMID: 19716085). It has been shown that this variant segregates with disease in two of the families (PMID: 26669661, ClinVar SCV000234432.9). This variant has not been identified in the general population by the Genome Aggregation Database (gnomAD). A different missense variant occurring at the same codon, p.Ala302Val, is known to be disease-causing (ClinVar variation ID: 36439), indicating that alanine at this position is important for KCNQ1 protein function. Based on the available evidence, this variant is classified as Likely Pathogenic.

Ambry Genetics
Classification: Likely pathogenic for Cardiovascular phenotype. Last evaluated: 2019-09-09. Review status: criteria provided, single submitter. Criteria: Ambry Variant Classification Scheme 2023. Collection method: clinical testing. Allele origin: germline.
Comment: The p.A302E variant (also known as c.905C>A), located in coding exon 6 of the KCNQ1 gene, results from a C to A substitution at nucleotide position 905. The alanine at codon 302 is replaced by glutamic acid, an amino acid with dissimilar properties. This variant was identified in one individual undergoing genetic testing for long QT syndrome (Kapplinger JD et al. Heart Rhythm, 2009 Sep;6:1297-303). This amino acid position is highly conserved in available vertebrate species. In addition, this alteration is predicted to be deleterious by in silico analysis. Another variant, p.A302, has been described in the same codon in trans with a second KCNQ1 alteration in an individual with Jervell and Lange-Nielsen syndrome and alone in individuals with long QT syndrome (Wang C et al. Acta Otolaryngol., 2017 May;137:522-528; Tester DJ et al. Heart Rhythm, 2005 May;2:507-17; Chung SK et al. Heart Rhythm, 2007 Oct;4:1306-14; Olesen MS et al. Heart Rhythm, 2014 Feb;11:246-51). Based on the majority of available evidence to date, this variant is likely to be pathogenic.

Cardiovascular Biomedical Research Unit, Royal Brompton & Harefield NHS Foundation Trust
No classification provided. Condition: Familial long QT syndrome. Review status: no classification provided. Collection method: literature only. Allele origin: germline. Not counted in ClinVar's aggregate classification.
Comment: This variant has been reported as associated with Long QT syndrome in the following publications (PMID:19716085). This is a literature report, and does not necessarily reflect the clinical interpretation of the Imperial College / Royal Brompton Cardiovascular Genetics laboratory.

Literature cited by the submitters: PubMed 19716085 (cited by 6 submitters); PubMed 26318259 (cited by 3 submitters); PubMed 26669661 (cited by 3 submitters); PubMed 17905336 (cited by Labcorp Genetics (formerly Invitae), Labcorp); PubMed 19808498 (cited by Labcorp Genetics (formerly Invitae), Labcorp); PubMed 25786344 (cited by Labcorp Genetics (formerly Invitae), Labcorp); PubMed 27917693 (cited by Labcorp Genetics (formerly Invitae), Labcorp); PubMed 32893267 (cited by All of Us Research Program, National Institutes of Health and Color Diagnostics, LLC DBA Color Health); PubMed 22581653 (cited by Ambry Genetics and Cardiovascular Biomedical Research Unit, Royal Brompton & Harefield NHS Foundation Trust).

NM_000218.3(KCNQ1):c.905C>A (p.Ala302Glu)

Gene: KCNQ1 (potassium voltage-gated channel subfamily Q member 1; plus strand). Cytogenetic location: 11p15.5.
Variant type: single nucleotide variant.
Coding change: c.905C>A on transcript NM_000218.3 (MANE Select); coding-DNA position 905, C replaced by A.
Protein change: p.Ala302Glu; replaces alanine 302 with glutamic acid.
Molecular consequence: missense variant.
Genome position (GRCh38, 1-based): chr11:2,572,970, C>A. VCF-style: chr11-2572970-C-A. GRCh37 (hg19) VCF-style: chr11-2594200-C-A.
Other names: p.A302E:GCG>GAG; c.905C>A (LRG_287t1); c.905C>A, p.Ala302Glu (NM_001406836.1); c.635C>A, p.Ala212Glu (NM_001406837.1); c.524C>A, p.Ala175Glu (NM_181798.2); short protein forms A302E, A175E, A212E.
Identifiers: ClinVar variation 67121 (VCV000067121.16), dbSNP rs193922365, ClinGen allele CA008583.